The following is an entry in ClinVar:

ClinVar aggregate classification (germline): Conflicting classifications of pathogenicity. Review status: criteria provided, conflicting classifications (1 of 4 stars). 2 submissions from 2 submitters: Uncertain significance (1); Likely benign (1). Last evaluated 2025-07-14.

Conditions:
Cardiomyopathy (CMYO). Also called: Cardiomyopathies. Identifiers: Orphanet 167848, MedGen C0878544, MONDO:0004994, HP:0001638. Inheritance: Various modes of inheritance.
Lethal congenital glycogen storage disease of heart. Also called: PHOSPHORYLASE KINASE DEFICIENCY OF HEART; GLYCOGEN STORAGE DISEASE OF HEART. Identifiers: Orphanet 439854, MedGen C1849813, MONDO:0009867, OMIM 261740.

Allele frequency attached by ClinVar (database versions not stated): gnomAD exomes below 0.00001.
gnomAD v4.1: 1 of 1,613,952 alleles (0.000062%); highest among the groups gnomAD compares: African/African-American, 0.0013%; no homozygotes.

Submissions (2):

Color Diagnostics, LLC DBA Color Health
Classification: Uncertain significance for Cardiomyopathy. Last evaluated: 2025-07-14. Review status: criteria provided, single submitter. Criteria: ACMG Guidelines, 2015. Collection method: clinical testing. Allele origin: germline.
Comment: This missense variant replaces serine with asparagine at codon 540 of the PRKAG2 protein. Computational prediction suggests that this variant may not impact protein structure and function. To our knowledge, functional studies have not been reported for this variant. This variant has not been reported in individuals affected with PRKAG2-related disorders in the literature. This variant has been identified in 1/251482 chromosomes in the general population by the Genome Aggregation Database (gnomAD). The available evidence is insufficient to determine the role of this variant in disease conclusively. Therefore, this variant is classified as a Variant of Uncertain Significance.

Labcorp Genetics (formerly Invitae), Labcorp
Classification: Likely benign for Lethal congenital glycogen storage disease of heart. Last evaluated: 2022-03-25. Review status: criteria provided, single submitter. Criteria: Invitae Variant Classification Sherloc (09022015). Collection method: clinical testing. Allele origin: germline.

NM_016203.4(PRKAG2):c.1619G>A (p.Ser540Asn)

Gene: PRKAG2 (protein kinase AMP-activated non-catalytic subunit gamma 2; minus strand). Cytogenetic location: 7q36.1.
Variant type: single nucleotide variant.
Coding change: c.1619G>A on transcript NM_016203.4 (MANE Select); coding-DNA position 1619, G replaced by A.
Protein change: p.Ser540Asn; replaces serine 540 with asparagine.
Molecular consequence: missense variant.
Genome position (GRCh38, 1-based): chr7:151,560,583, C>T on the plus strand (G>A on the coding strand, the complement: PRKAG2 is on the minus strand). VCF-style: chr7-151560583-C-T. GRCh37 (hg19) VCF-style: chr7-151257669-C-T.
Other names: c.1487G>A, p.Ser496Asn (NM_001040633.2, NM_001407024.1); c.1244G>A, p.Ser415Asn (NM_001304527.2, NM_001407029.1); c.896G>A, p.Ser299Asn (NM_001304531.2, NM_001407034.1, NM_001407035.1 and 1 more transcripts); c.1247G>A, p.Ser416Asn (NM_001363698.2, NM_001407028.1); c.1619G>A, p.Ser540Asn (NM_001407021.1); c.1616G>A, p.Ser539Asn (NM_001407022.1, NM_001407023.1); c.1484G>A, p.Ser495Asn (NM_001407026.1, NM_001407027.1); c.1331G>A, p.Ser444Asn (NM_001407030.1); and 6 more; short protein forms S416N, S444N, S540N, S432N, S496N, S539N, S298N, S299N.
Identifiers: ClinVar variation 2116718 (VCV002116718.5), dbSNP rs1418088450, ClinGen allele CA370070347.
Genomic context (GRCh38, chr7:151,560,583, plus strand): 5'-CCTGCTGGTGTGAGGATCAGGGCTTGCAGAATGTCCGACAGGGAAATAATACCCACAATA[C>T]TATCTGCTTCATTTACCACCACCAGCCGATGGACCTGCAAAGAGAAAAGCAGGACACGTG-3'
Protein context (NP_057287.2, residues 530-550): HRLVVVNEAD[Ser540Asn]IVGIISLSDI